The following is an entry in ClinVar:

ClinVar aggregate classification (germline): Pathogenic (1 of 4 stars; one submission).

Conditions:
Anophthalmia/microphthalmia-esophageal atresia syndrome (MCOPS3). Also called: MICROPHTHALMIA AND ESOPHAGEAL ATRESIA SYNDROME; AEG SYNDROME; SOX2 Disorder. Identifiers: Orphanet 77298, MedGen C1859773, MONDO:0008799, OMIM 206900.

Submission:

Molecular Genetics Laboratory, Motol Hospital
Classification: Pathogenic for Anophthalmia/microphthalmia-esophageal atresia syndrome. Last evaluated: 2024-10-12. Review status: criteria provided, single submitter. Criteria: ACMG Guidelines, 2015. Collection method: clinical testing. Allele origin: de novo. Affected: yes. Observed: 1 variant allele.
Comment: This variant was found to be of a de novo origin. De novo truncating variations (nonsense, frameshift) and deletions leading to haploinsufficiency were well documented as causative in the pathogenesis of severe developmental ocular malformations (anopthalmia, micropthalmia) (OMIM:206900). To conclude, the variant is classified as pathogenic (ACMG PVS1, PS2, PM2).

Literature cited by the submitters: PubMed 34562068; PubMed 30262714; PubMed 21326281; PubMed 16543359; PubMed 17522144.

NM_003106.4(SOX2):c.935_936del (p.Leu312fs)

Genes: SOX2-OT (SOX2 overlapping transcript; plus strand), SOX2 (SRY-box transcription factor 2; plus strand). Cytogenetic location: 3q26.33.
Variant type: Deletion.
Coding change: c.935_936del on transcript NM_003106.4 (MANE Select); coding-DNA positions 935 to 936, 2 bases deleted (TG; older notation c.935_936delTG).
Protein change: p.Leu312fs; shifts the reading frame from leucine 312.
Molecular consequence: frameshift variant.
Genome position (GRCh38, 1-based): chr3:181,713,295-181,713,296, TG deleted. VCF-style (leftmost placement, unchanged base first): chr3-181713294-CTG-C. GRCh37 (hg19) VCF-style: chr3-181431082-CTG-C.
Other names: short protein forms L312fs.
Identifiers: ClinVar variation 3363103 (VCV003363103.2).
Genomic context (GRCh38, chr3:181,713,294, plus strand): 5'-CTTCACATGTCCCAGCACTACCAGAGCGGCCCGGTGCCCGGCACGGCCATTAACGGCACA[CTG>C]CCCCTCTCACACATGTGAGGGCCGGACAGCGAACTGGAGGGGGGAGAAATTTTCAAAGAA-3'